The following is an entry in ClinVar:

ClinVar aggregate classification (germline): Pathogenic/Likely pathogenic. Review status: criteria provided, multiple submitters, no conflicts (2 of 4 stars). 7 submissions from 4 submitters: Pathogenic (1); Likely pathogenic (2). 4 of the submissions do not count toward it. Last evaluated 2024-08-12.

Conditions:
Multiple epiphyseal dysplasia type 4 (EDM4). Also called: MULTIPLE EPIPHYSEAL DYSPLASIA WITH BILAYERED PATELLAE; MULTIPLE EPIPHYSEAL DYSPLASIA WITH CLUBFOOT; MULTIPLE EPIPHYSEAL DYSPLASIA, AUTOSOMAL RECESSIVE; Multiple Epiphyseal Dysplasia, Recessive; SLC26A2-Related Multiple Epiphyseal Dysplasia. Identifiers: Orphanet 93307, MedGen C1847593, MONDO:0009189, OMIM 226900.
Diastrophic dysplasia (DTD). Also called: Diastrophic dwarfism. Identifiers: Orphanet 628, MedGen C0220726, MONDO:0009107, OMIM 222600.
Achondrogenesis, type IB (ACG1B). Also called: Achondrogenesis Type 1B. Identifiers: Orphanet 932, Orphanet 93298, MedGen C0265274, MONDO:0010966, OMIM 600972.
Atelosteogenesis type II (AO2). Also called: NEONATAL OSSEOUS DYSPLASIA I; Neonatal osseous dysplasia 1; SLC26A2-Related Atelosteogenesis. Identifiers: Orphanet 56304, MedGen C1850554, MONDO:0009727, OMIM 256050.

Submissions (7):

Natera, Inc.
Classification: Likely pathogenic for Achondrogenesis type IB. Last evaluated: 2024-08-12. Review status: criteria provided, single submitter. Criteria: Natera Variant Classification Schema (03/2026). Collection method: clinical testing. Allele origin: germline.
Comment: The c.736_739delGTCT variant in SLC26A2 is a frameshift variant predicted to shift the reading frame beginning at codon 246 and leads to a stop codon 7 codons downstream. This variant is expected to result in nonsense mediated decay, truncation, or a dysfunctional protein product. This variant is rare in the general population with a frequency below the threshold expected for the associated phenotype(s). Given the available evidence, this variant is classified as Likely Pathogenic.

Baylor Genetics
Classification: Likely pathogenic for Achondrogenesis, type IB. Last evaluated: 2024-02-28. Review status: criteria provided, single submitter. Criteria: ACMG Guidelines, 2015. Collection method: clinical testing. Allele origin: unknown.

Labcorp Genetics (formerly Invitae), Labcorp
Classification: Pathogenic for Atelosteogenesis type II; Multiple epiphyseal dysplasia type 4; Achondrogenesis, type IB; Diastrophic dysplasia. Last evaluated: 2021-10-11. Review status: criteria provided, single submitter. Criteria: Invitae Variant Classification Sherloc (09022015). Collection method: clinical testing. Allele origin: germline.
Comment: This variant has not been reported in the literature in individuals affected with SLC26A2-related conditions. For these reasons, this variant has been classified as Pathogenic. This variant disrupts a region of the SLC26A2 protein in which other variant(s) (p.Lys575Serfs*10, p.Ser551Valfs*34) have been determined to be pathogenic (PMID: 7923357, 8528239, 8571951; Invitae). This suggests that this is a clinically significant region of the protein, and that variants that disrupt it are likely to be disease-causing. ClinVar contains an entry for this variant (Variation ID: 371773). This variant is not present in population databases (ExAC no frequency). This sequence change creates a premature translational stop signal (p.Val246Thrfs*7) in the SLC26A2 gene. While this is not anticipated to result in nonsense mediated decay, it is expected to disrupt the last 494 amino acid(s) of the SLC26A2 protein.

Counsyl
Classification: Likely pathogenic for Diastrophic dysplasia. Last evaluated: 2016-09-06. Review status: no assertion criteria provided. Collection method: clinical testing. Allele origin: unknown. Not counted in ClinVar's aggregate classification.

Counsyl
Classification: Likely pathogenic for Multiple epiphyseal dysplasia type 4. Last evaluated: 2016-09-06. Review status: no assertion criteria provided. Collection method: clinical testing. Allele origin: unknown. Not counted in ClinVar's aggregate classification.

Counsyl
Classification: Likely pathogenic for Atelosteogenesis type II. Last evaluated: 2016-09-06. Review status: no assertion criteria provided. Collection method: clinical testing. Allele origin: unknown. Not counted in ClinVar's aggregate classification.

Counsyl
Classification: Likely pathogenic for Achondrogenesis, type IB. Last evaluated: 2016-09-06. Review status: no assertion criteria provided. Collection method: clinical testing. Allele origin: unknown. Not counted in ClinVar's aggregate classification.

Literature cited by the submitters: PubMed 7923357 (cited by Labcorp Genetics (formerly Invitae), Labcorp); PubMed 8528239 (cited by Labcorp Genetics (formerly Invitae), Labcorp); PubMed 8571951 (cited by Labcorp Genetics (formerly Invitae), Labcorp).

NM_000112.4(SLC26A2):c.736_739del (p.Val246fs)

Gene: SLC26A2 (solute carrier family 26 member 2; plus strand). Cytogenetic location: 5q32.
Variant type: Deletion.
Coding change: c.736_739del on transcript NM_000112.4 (MANE Select); coding-DNA positions 736 to 739, 4 bases deleted (GTCT; older notation c.736_739delGTCT).
Protein change: p.Val246fs; shifts the reading frame from valine 246.
Molecular consequence: frameshift variant.
Genome position (GRCh38, 1-based): chr5:149,980,329-149,980,332, GTCT deleted; deleting any 4 consecutive bases within chr5:149,980,326-149,980,332 gives the same sequence; the c. name uses the placement nearest the transcript's 3' end. VCF-style (leftmost placement, unchanged base first): chr5-149980325-TTCTG-T. GRCh37 (hg19) VCF-style: chr5-149359888-TTCTG-T.
Other names: c.736_739delGTCT (NM_000112.3); short protein forms V246fs.
Identifiers: ClinVar variation 371773 (VCV000371773.11), dbSNP rs1057517524, ClinGen allele CA16040990.